The following is an entry in ClinVar:

ClinVar aggregate classification (germline): Likely benign (1 of 4 stars; one submission).

Allele frequency attached by ClinVar (database versions not stated): gnomAD exomes below 0.00001.
gnomAD v4.1: 2 of 1,613,826 alleles (0.00012%); highest among the groups gnomAD compares: Non-Finnish European, 0.00017%; no homozygotes.

Submission:

GeneDx
Classification: Likely benign. Last evaluated: 2016-07-26. Review status: criteria provided, single submitter. Criteria: GeneDx Variant Classification (06012015). Collection method: clinical testing. Allele origin: germline. Affected: yes.
Comment: This variant is considered likely benign or benign based on one or more of the following criteria: it is a conservative change, it occurs at a poorly conserved position in the protein, it is predicted to be benign by multiple in silico algorithms, and/or has population frequency not consistent with disease.

NM_000090.4(COL3A1):c.*7C>T

Gene: COL3A1 (collagen type III alpha 1 chain; plus strand). Cytogenetic location: 2q32.2.
Variant type: single nucleotide variant.
Coding change: c.*7C>T on transcript NM_000090.4 (MANE Select); 7 bases downstream of the stop codon, C replaced by T.
Molecular consequence: 3 prime UTR variant.
Genome position (GRCh38, 1-based): chr2:189,011,781, C>T. VCF-style: chr2-189011781-C-T. GRCh37 (hg19) VCF-style: chr2-189876507-C-T.
Identifiers: ClinVar variation 388196 (VCV000388196.1), dbSNP rs1057523029, ClinGen allele CA16604284.
Genomic context (GRCh38, chr2:189,011,781, plus strand): 5'-GGTGGTCCTGATCAAGAATTTGGTGTGGACGTTGGCCCTGTTTGCTTTTTATAAACCAAA[C>T]TCTATCTGAAATCCCAACAAAAAAAATTTAACTCCATATGTGTTCCTCTTGTTCTAATCT-3'